The following is an entry in ClinVar:

NM_016203.4(PRKAG2):c.638C>T (p.Thr213Ile)

Gene: PRKAG2 (protein kinase AMP-activated non-catalytic subunit gamma 2; minus strand). Cytogenetic location: 7q36.1.
Variant type: single nucleotide variant.
Coding change: c.638C>T on transcript NM_016203.4 (MANE Select); coding-DNA position 638, C replaced by T.
Protein change: p.Thr213Ile; replaces threonine 213 with isoleucine.
Molecular consequence: missense variant.
Genome position (GRCh38, 1-based): chr7:151,675,466, G>A on the plus strand (C>T on the coding strand, the complement: PRKAG2 is on the minus strand). VCF-style: chr7-151675466-G-A. GRCh37 (hg19) VCF-style: chr7-151372552-G-A.
Other names: c.506C>T, p.Thr169Ile (NM_001040633.2, NM_001407024.1, NM_001407026.1 and 1 more transcripts); c.266C>T, p.Thr89Ile (NM_001304527.2, NM_001363698.2, NM_001407028.1 and 1 more transcripts); c.638C>T, p.Thr213Ile (NM_001407021.1, NM_001407022.1, NM_001407023.1); c.320C>T, p.Thr107Ile (NM_001407032.1); short protein forms T107I, T169I, T89I, T213I.
Identifiers: ClinVar variation 2197177 (VCV002197177.5), dbSNP rs2537255440, ClinGen allele CA370187143.

ClinVar aggregate classification (germline): Uncertain significance. Review status: criteria provided, multiple submitters, no conflicts (2 of 4 stars). 2 submissions from 2 submitters: Uncertain significance (2). Last evaluated 2024-05-29.

Conditions:
Hypertrophic cardiomyopathy. Also called: HYPERTROPHIC MYOCARDIOPATHY. Identifiers: Orphanet 217569, MedGen C0007194, MeSH D002312, MONDO:0005045, HP:0001639.
Lethal congenital glycogen storage disease of heart. Also called: PHOSPHORYLASE KINASE DEFICIENCY OF HEART; GLYCOGEN STORAGE DISEASE OF HEART. Identifiers: Orphanet 439854, MedGen C1849813, MONDO:0009867, OMIM 261740.

gnomAD v4.1: 1 of 1,614,192 alleles (0.000062%); highest among the groups gnomAD compares: Admixed American, 0.0017%; no homozygotes.

Submissions (2):

Labcorp Genetics (formerly Invitae), Labcorp
Classification: Uncertain significance for Lethal congenital glycogen storage disease of heart. Last evaluated: 2024-05-29. Review status: criteria provided, single submitter. Criteria: Invitae Variant Classification Sherloc (09022015). Collection method: clinical testing. Allele origin: germline.
Comment: This sequence change replaces threonine, which is neutral and polar, with isoleucine, which is neutral and non-polar, at codon 213 of the PRKAG2 protein (p.Thr213Ile). This variant is not present in population databases (gnomAD no frequency). This variant has not been reported in the literature in individuals affected with PRKAG2-related conditions. ClinVar contains an entry for this variant (Variation ID: 2197177). Advanced modeling of protein sequence and biophysical properties (such as structural, functional, and spatial information, amino acid conservation, physicochemical variation, residue mobility, and thermodynamic stability) performed at Invitae indicates that this missense variant is not expected to disrupt PRKAG2 protein function with a negative predictive value of 95%. In summary, the available evidence is currently insufficient to determine the role of this variant in disease. Therefore, it has been classified as a Variant of Uncertain Significance.

All of Us Research Program, National Institutes of Health
Classification: Uncertain significance for Hypertrophic cardiomyopathy. Last evaluated: 2023-06-26. Review status: criteria provided, single submitter. Criteria: ACMG Guidelines, 2015. Collection method: clinical testing. Allele origin: germline. Inheritance: Autosomal dominant inheritance. Observed: 1 variant allele, 1 heterozygote.
Comment: This missense variant replaces threonine with isoleucine at codon 213 of the PRKAG2 protein. Computational prediction suggests that this variant may not impact protein structure and function (internally defined REVEL score threshold <= 0.5, PMID: 27666373). To our knowledge, functional studies have not been reported for this variant. This variant has not been reported in individuals affected with PRKAG2-related disorders in the literature. This variant has not been identified in the general population by the Genome Aggregation Database (gnomAD). The available evidence is insufficient to determine the role of this variant in disease conclusively. Therefore, this variant is classified as a Variant of Uncertain Significance.

This study involves interpretation of variants in research participants for the purpose of population health screening. Participant phenotype was not available at the time of variant classification. Additional details can be found in publication PMID: 35346344, PMCID: PMC8962531